The following is an entry in ClinVar:

NM_001130438.3(SPTAN1):c.4810C>A (p.Leu1604Met)

Gene: SPTAN1 (spectrin alpha, non-erythrocytic 1; plus strand). Cytogenetic location: 9q34.11.
Variant type: single nucleotide variant.
Coding change: c.4810C>A on transcript NM_001130438.3 (MANE Select); coding-DNA position 4810, C replaced by A.
Protein change: p.Leu1604Met; replaces leucine 1604 with methionine.
Molecular consequence: missense variant.
Genome position (GRCh38, 1-based): chr9:128,611,750, C>A. VCF-style: chr9-128611750-C-A. GRCh37 (hg19) VCF-style: chr9-131374029-C-A.
Other names: c.4735C>A, p.Leu1579Met (NM_001195532.2); c.4810C>A, p.Leu1604Met (NM_001363759.2, NM_001375310.1, NM_001375311.2 and 1 more transcripts); c.4750C>A, p.Leu1584Met (NM_001363765.2, NM_001375314.2); c.4846C>A, p.Leu1616Met (NM_001375312.2, NM_001375318.1); c.4795C>A, p.Leu1599Met (NM_003127.4); short protein forms L1579M, L1584M, L1599M, L1604M, L1616M.
Identifiers: ClinVar variation 3390403 (VCV003390403.1).

ClinVar aggregate classification (germline): Uncertain significance (1 of 4 stars; one submission).

Submission:

GeneDx
Classification: Uncertain significance. Last evaluated: 2024-06-14. Review status: criteria provided, single submitter. Criteria: GeneDx Variant Classification Process June 2021. Collection method: clinical testing. Allele origin: germline. Affected: yes.
Comment: Not observed at significant frequency in large population cohorts (gnomAD); In silico analysis indicates that this missense variant does not alter protein structure/function; Has not been previously published as pathogenic or benign to our knowledge